The following is an entry in ClinVar:

ClinVar aggregate classification (germline): Benign. Review status: criteria provided, multiple submitters, no conflicts (2 of 4 stars). 2 submissions from 2 submitters: Benign (2). Last evaluated 2021-07-14.

Conditions:
Neuropathy, hereditary sensory, type 1D. Identifiers: Orphanet 36386, MedGen C3150972, MONDO:0013381, OMIM 613708.

Allele frequency attached by ClinVar (database versions not stated): gnomAD 0.48669 and 0.49584; TOPMed 0.49363; 1000 Genomes Project 30x 0.52904; gnomAD exomes 0.55783.

Submissions (2):

Genome-Nilou Lab
Classification: Benign for Neuropathy, hereditary sensory, type 1D. Last evaluated: 2021-07-14. Review status: criteria provided, single submitter. Criteria: ACMG Guidelines, 2015. Collection method: clinical testing. Allele origin: germline. Affected: no.

GeneDx
Classification: Benign. Last evaluated: 2018-06-14. Review status: criteria provided, single submitter. Criteria: GeneDx Variant Classification (06012015). Collection method: clinical testing. Allele origin: germline. Affected: yes.
Comment: This variant is considered likely benign or benign based on one or more of the following criteria: it is a conservative change, it occurs at a poorly conserved position in the protein, it is predicted to be benign by multiple in silico algorithms, and/or has population frequency not consistent with disease.

NM_015915.5(ATL1):c.1119+136_1119+137insAT

Gene: ATL1 (atlastin GTPase 1; plus strand). Cytogenetic location: 14q22.1.
Variant type: Insertion.
Coding change: c.1119+136_1119+137insAT on transcript NM_015915.5 (MANE Select); bases 136 to 137 of the intron after coding-DNA position 1119, AT inserted.
Molecular consequence: intron variant.
Genome position: GRCh38 VCF-style: chr14-50623384-C-CAT. GRCh37 (hg19) VCF-style: chr14-51090102-C-CAT.
Other names: c.1119+136_1119+137insAT (NM_001127713.1, NM_181598.4).
Identifiers: ClinVar variation 678071 (VCV000678071.4), dbSNP rs10626021, ClinGen allele CA260791175.